The following is an entry in ClinVar:

NM_152564.5(VPS13B):c.1094A>C (p.Asp365Ala)

Gene: VPS13B (vacuolar protein sorting 13 homolog B; plus strand). Cytogenetic location: 8q22.2.
Variant type: single nucleotide variant.
Coding change: c.1094A>C on transcript NM_152564.5 (MANE Select); coding-DNA position 1094, A replaced by C.
Protein change: p.Asp365Ala; replaces aspartic acid 365 with alanine.
Molecular consequence: missense variant. On other transcripts: non-coding transcript variant (1).
Genome position (GRCh38, 1-based): chr8:99,121,333, A>C. VCF-style: chr8-99121333-A-C. GRCh37 (hg19) VCF-style: chr8-100133561-A-C.
Other names: c.1094A>C, p.Asp365Ala (NM_015243.3, NM_017890.5, NM_181661.3); short protein forms D365A.
Identifiers: ClinVar variation 1417180 (VCV001417180.6), dbSNP rs2132516334, ClinGen allele CA371861106.

ClinVar aggregate classification (germline): Uncertain significance (1 of 4 stars; one submission).

Conditions:
Cohen syndrome (COH1). Also called: PEPPER SYNDROME; Cutis verticis gyrata, retinitis pigmentosa, and sensorineural deafness. Identifiers: Orphanet 193, MedGen C0265223, MONDO:0008999, OMIM 216550.

Submission:

Labcorp Genetics (formerly Invitae), Labcorp
Classification: Uncertain significance for Cohen syndrome. Last evaluated: 2022-07-27. Review status: criteria provided, single submitter. Criteria: Invitae Variant Classification Sherloc (09022015). Collection method: clinical testing. Allele origin: germline.
Comment: In summary, the available evidence is currently insufficient to determine the role of this variant in disease. Therefore, it has been classified as a Variant of Uncertain Significance. Algorithms developed to predict the effect of missense changes on protein structure and function are either unavailable or do not agree on the potential impact of this missense change (SIFT: "Not Available"; PolyPhen-2: "Benign"; Align-GVGD: "Not Available"). ClinVar contains an entry for this variant (Variation ID: 1417180). This variant has not been reported in the literature in individuals affected with VPS13B-related conditions. This variant is not present in population databases (gnomAD no frequency). This sequence change replaces aspartic acid, which is acidic and polar, with alanine, which is neutral and non-polar, at codon 365 of the VPS13B protein (p.Asp365Ala).